The following is an entry in ClinVar:

ClinVar aggregate classification (germline): Likely pathogenic (1 of 4 stars; one submission).

Conditions:
Mucolipidosis type II. Also called: ML II ALPHA/BETA; Mucolipidosis 2; ML 2; Inclusion cell disease; Leroy Disease; N-acetylglucosamine 1phosphotransferase deficiency. Identifiers: Orphanet 576, MedGen C2673377, MONDO:0009650, OMIM 252500.
Pseudo-Hurler polydystrophy. Also called: ML III; ML III ALPHA/BETA; Type III Mucolipidosis; ML IIIA; Mucolipidosis III Alpha/Beta; MUCOLIPIDOSIS IIIA. Identifiers: Orphanet 423461, Orphanet 577, MedGen C0033788, MONDO:0018931, OMIM 252600.

Submission:

Labcorp Genetics (formerly Invitae), Labcorp
Classification: Likely pathogenic for Pseudo-Hurler polydystrophy; Mucolipidosis type II. Last evaluated: 2024-01-29. Review status: criteria provided, single submitter. Criteria: Invitae Variant Classification Sherloc (09022015). Collection method: clinical testing. Allele origin: germline.
Comment: This sequence change affects a donor splice site in intron 9 of the GNPTAB gene. It is expected to disrupt RNA splicing. Variants that disrupt the donor or acceptor splice site typically lead to a loss of protein function (PMID: 16199547), and loss-of-function variants in GNPTAB are known to be pathogenic (PMID: 19617216, 25107912). This variant is not present in population databases (gnomAD no frequency). This variant has not been reported in the literature in individuals affected with GNPTAB-related conditions. Algorithms developed to predict the effect of sequence changes on RNA splicing suggest that this variant may disrupt the consensus splice site. In summary, the currently available evidence indicates that the variant is pathogenic, but additional data are needed to prove that conclusively. Therefore, this variant has been classified as Likely Pathogenic.

Literature cited by the submitters: PubMed 16199547; PubMed 19617216; PubMed 25107912.

NM_024312.5(GNPTAB):c.1113+1G>T

Gene: GNPTAB (N-acetylglucosamine-1-phosphate transferase subunits alpha and beta; minus strand). Cytogenetic location: 12q23.2.
Variant type: single nucleotide variant.
Coding change: c.1113+1G>T on transcript NM_024312.5 (MANE Select); the canonical splice donor site of the intron after coding-DNA position 1113, G replaced by T.
Molecular consequence: splice donor variant.
Genome position (GRCh38, 1-based): chr12:101,770,405, C>A on the plus strand (G>T on the coding strand, the complement: GNPTAB is on the minus strand). VCF-style: chr12-101770405-C-A. GRCh37 (hg19) VCF-style: chr12-102164183-C-A.
Identifiers: ClinVar variation 2922680 (VCV002922680.3), dbSNP rs2547961279, ClinGen allele CA386302907.